The following is an entry in ClinVar:

ClinVar aggregate classification (germline): Uncertain significance (1 of 4 stars; one submission).

Conditions:
Dilated cardiomyopathy 1AA (CMD1AA). Also called: Cardiomyopathy, dilated, 1AA, with or without LVNC; CARDIOMYOPATHY, DILATED, 1AA, WITH OR WITHOUT LEFT VENTRICULAR NONCOMPACTION; CARDIOMYOPATHY, FAMILIAL HYPERTROPHIC, 23, WITH OR WITHOUT LEFT VENTRICULAR NONCOMPACTION. Identifiers: Orphanet 154, MedGen C2677338, MONDO:0012808, OMIM 612158.
Primary familial hypertrophic cardiomyopathy (HCM). Identifiers: Orphanet 99739, MedGen C0949658, MeSH D024741, MONDO:0024573. Inheritance: Various modes of inheritance.

Allele frequency attached by ClinVar (database versions not stated): gnomAD exomes below 0.00001.

Submission:

Labcorp Genetics (formerly Invitae), Labcorp
Classification: Uncertain significance for Primary familial hypertrophic cardiomyopathy; Dilated cardiomyopathy 1AA. Last evaluated: 2024-10-15. Review status: criteria provided, single submitter. Criteria: Invitae Variant Classification Sherloc (09022015). Collection method: clinical testing. Allele origin: germline.
Comment: This sequence change falls in intron 1 of the ACTN2 gene. It does not directly change the encoded amino acid sequence of the ACTN2 protein. It affects a nucleotide within the consensus splice site. This variant is not present in population databases (gnomAD no frequency). This variant has not been reported in the literature in individuals affected with ACTN2-related conditions. ClinVar contains an entry for this variant (Variation ID: 964189). Variants that disrupt the consensus splice site are a relatively common cause of aberrant splicing (PMID: 17576681, 9536098). Algorithms developed to predict the effect of sequence changes on RNA splicing suggest that this variant is not likely to affect RNA splicing. In summary, the available evidence is currently insufficient to determine the role of this variant in disease. Therefore, it has been classified as a Variant of Uncertain Significance.

Literature cited by the submitters: PubMed 17576681; PubMed 9536098.

NM_001103.4(ACTN2):c.126+3C>T

Gene: ACTN2 (actinin alpha 2; plus strand). Cytogenetic location: 1q43.
Variant type: single nucleotide variant.
Coding change: c.126+3C>T on transcript NM_001103.4 (MANE Select); 3 bases into the intron after coding-DNA position 126, C replaced by T.
Molecular consequence: intron variant.
Genome position (GRCh38, 1-based): chr1:236,686,802, C>T. VCF-style: chr1-236686802-C-T. GRCh37 (hg19) VCF-style: chr1-236850102-C-T.
Other names: c.-696+3C>T (NM_001278344.2); c.126+3C>T (NM_001278343.2).
Identifiers: ClinVar variation 964189 (VCV000964189.9), dbSNP rs1665886801, ClinGen allele CA1139656718.